The following is an entry in ClinVar:

ClinVar aggregate classification (germline): Pathogenic/Likely pathogenic. Review status: criteria provided, multiple submitters, no conflicts (2 of 4 stars). 10 submissions from 10 submitters: Pathogenic (4); Likely pathogenic (5). 1 of the submissions does not count toward it. Last evaluated 2026-07-01.

Conditions:
Glycogen storage disease, type II (IOPD). Also called: Glycogen storage disease type 2; Acid maltase deficiency disease; Aglucosidase alfa; Deficiency of alpha-glucosidase; Deficiency of lysosomal alpha-glucosidase; POMPE DISEASE, INFANTILE-ONSET. Identifiers: Orphanet 365, MedGen C0017921, MONDO:0009290, OMIM 232300.

Allele frequency attached by ClinVar (database versions not stated): gnomAD 0.00001; gnomAD exomes 0.00002; ExAC 0.00003; 1000 Genomes Project 30x 0.00016; 1000 Genomes Project 0.00020.
gnomAD v4.1: 25 of 1,611,694 alleles (0.0016%); highest among the groups gnomAD compares: East Asian, 0.0089%; no homozygotes.

Submissions (10):

Genomenon, Inc
Classification: Pathogenic for Glycogen storage disease, type II. Last evaluated: 2026-07-01. Review status: criteria provided, single submitter. Criteria: Genomenon Sequence Variant Interpretation Standards - Updated. Collection method: curation. Allele origin: germline. Affected: yes.
Comment: GAA c.2647-7G>A is an intronic variant located in the acceptor splice region of intron 18. This variant has been observed in at least one proband with a GAA-related disorder (PMID:39273088;28196920;24107549). At least one splicing study has demonstrated that this variant results in aberrant splicing (PMID:39870877;24107549). It is absent or not present at a significant frequency in gnomAD. In conclusion, we classify GAA c.2647-7G>A as a pathogenic variant.

Labcorp Genetics (formerly Invitae), Labcorp
Classification: Pathogenic for Glycogen storage disease, type II. Last evaluated: 2026-01-31. Review status: criteria provided, single submitter. Criteria: Invitae Variant Classification Sherloc (09022015). Collection method: clinical testing. Allele origin: germline.
Comment: This sequence change falls in intron 18 of the GAA gene. It does not directly change the encoded amino acid sequence of the GAA protein. This variant is present in population databases (rs192679574, gnomAD 0.003%). This variant has been observed in individual(s) with late-onset glycogen storage disease (PMID: 24107549). It has also been observed to segregate with disease in related individuals. ClinVar contains an entry for this variant (Variation ID: 551106). Algorithms developed to predict the effect of sequence changes on RNA splicing suggest that this variant may disrupt the consensus splice site. For these reasons, this variant has been classified as Pathogenic.

Natera, Inc.
Classification: Likely pathogenic for Glycogen storage disease type II. Last evaluated: 2025-05-06. Review status: criteria provided, single submitter. Criteria: Natera Variant Classification Schema (03/2026). Collection method: clinical testing. Allele origin: germline.
Comment: The c.2647-7G>A variant in GAA is an intronic variant located outside the canonical splice sites. This variant is rare in the general population with a frequency below the threshold expected for the associated phenotype(s). This variant has been observed in one or more individuals affected with the associated recessive disease, as either homozygous or compound heterozygous with a second variant (PMID: 24107549). Additionally, this variant has been observed to segregate in affected family members (PMID: 24107549). Functional studies show that this variant may disrupt protein function (PMID: 24107549). Computational prediction algorithms indicate this variant is likely to affect gene or protein function. Given the available evidence, this variant is classified as Likely Pathogenic.

Myriad Genetics, Inc.
Classification: Likely pathogenic for Glycogen storage disease, type II. Last evaluated: 2025-05-05. Review status: criteria provided, single submitter. Criteria: Myriad Autosomal Dominant, Autosomal Recessive and X-Linked Classification Criteria (2023). Collection method: clinical testing. Allele origin: unknown.
Comment: NM_000152.3(GAA):c.2647-7G>A is an intronic variant classified as likely pathogenic in the context of Pompe disease. c.2647-7G>A has been observed in cases with relevant disease (PMID: 24107549, 31076647, 28196920, 34922579, 39870877). Relevant functional assessments of this variant are available in the literature (PMID: 24107549, 39870877). c.2647-7G>A has been observed in referenced population frequency databases. In summary, NM_000152.3(GAA):c.2647-7G>A is an intronic variant that has been observed more frequently in cases with the relevant disease than in healthy populations. Please note: this variant was assessed in the context of healthy population screening.

Revvity Omics, Revvity
Classification: Pathogenic. Last evaluated: 2024-12-18. Review status: criteria provided, single submitter. Criteria: ACMG Guidelines, 2015. Collection method: clinical testing. Allele origin: germline.

Fulgent Genetics
Classification: Likely pathogenic for Glycogen storage disease, type II. Last evaluated: 2024-06-23. Review status: criteria provided, single submitter. Criteria: ACMG Guidelines, 2015. Collection method: clinical testing. Allele origin: germline.

Women's Health and Genetics/Laboratory Corporation of America, LabCorp
Classification: Pathogenic for Glycogen storage disease, type II. Last evaluated: 2022-01-31. Review status: criteria provided, single submitter. Criteria: LabCorp Variant Classification Summary - May 2015. Collection method: clinical testing. Allele origin: germline.
Comment: Variant summary: GAA c.2647-7G>A alters a conserved nucleotide located close to a canonical splice site and therefore could affect mRNA splicing, leading to a significantly altered protein sequence. Several computational tools predict a significant impact on normal splicing: Two predict the variant abolishes a canonical 3 prime acceptor site. One predict the variant weakens a canonical 3 prime acceptor site. Four predict the variant creates a cryptic 3 prime acceptor site. Sampaolo_ 2013 have demostrated this variant leads to a reduction in wild type mRNA levels consistent with the abolishment of the canonical 3' acceptor site. The variant allele was found at a frequency of 1.6e-05 in 249470 control chromosomes (gnomAD). c.2647-7G>A has been reported in the literature in multiple compound heterozygous individuals affected with Glycogen Storage Disease, Type 2 (Pompe Disease) and variant segregated with the disease (Sampaolo_GAA_OJRD_2013). These data indicate that the variant is very likely to be associated with disease. Four clinical diagnostic laboratories have submitted clinical-significance assessments for this variant to ClinVar after 2014 and classified the variant as pathogenic (n=1) and likely pathogenic (n=3). Based on the evidence outlined above, the variant was classified as pathogenic.

Genetic Services Laboratory, University of Chicago
Classification: Likely pathogenic. Last evaluated: 2021-08-02. Review status: criteria provided, single submitter. Criteria: ACMG Guidelines, 2015. Collection method: clinical testing. Allele origin: germline. Affected: yes.
Comment: This sequence change is a substitution in intron 18, c.2647-7G>A. This sequence change has been described in the gnomAD database with a low frequency of 0.003% in the south Asian and non-Finnish European subpopulations (rs192679574). This sequence change has been previously described in a family with late-onset Pompe disease and segregates with the disease phenotype (PMID: 24107549). Functional studies show c.2647-7G>A causes a splicing defect (PMID: 24107549). Based on these evidence, the c.2647-7G>A variant is classified as likely pathogenic.

Broad Center for Mendelian Genomics, Broad Institute of MIT and Harvard
Classification: Likely pathogenic for Glycogen storage disease, type II. Last evaluated: 2020-01-22. Review status: criteria provided, single submitter. Criteria: ACMG Guidelines, 2015. Collection method: curation. Allele origin: germline. Inheritance: Autosomal recessive inheritance.
Comment: The c.2647-7G>A variant in GAA has been reported in at least 9 Italian individuals with glycogen storage disease, segregated with disease in 9 affected relatives from 1 family (PMID: 24107549), and has been identified in 0.003% (1/30616) of South Asian chromosomes and 0.003% (4/128816) of European (non-Finnish) chromosomes by the Genome Aggregation Database (gnomAD; dbSNP rs192679574). Although this variant has been seen in the general population, its frequency is low enough to be consistent with a recessive carrier frequency. This variant has also been reported in ClinVar (Variation: 551106) as Likely Pathogenic by Counsyl. In vitro functional studies provide some evidence that the c.2647-7G>A variant may slightly impact protein function by showing presence of alternatively spliced transcripts that result in NMD (PMID: 24107549). However, these types of assays may not accurately represent biological function. This variant is located in the 5' splice region. The nucleotide at position 2647-7 is not conserved in mammals or evolutionary distant species, raising the possibility that a change at this position may be tolerated. Additional computational tools do suggest an impact to splicing resulting in a cryptic acceptor splice site that causes a frameshift. However, this information is not predictive enough to determine pathogenicity. The phenotype of individuals compound heterozygous for this variant is highly specific for glycogen storage disease II based on GAA enzyme activity in muscle being <10% of wild type, consistent with disease (PMID: 24107549). Additionally, the presence of this variant in combination with a reported pathogenic variant p.Arg40Ter (VariationID: 426593; PMID: 24107549) in seven siblings with glycogen storage disease slightly increases the likelihood that the c.2647-7G>A variant is pathogenic. In summary, although additional studies are required to fully establish its clinical significance, this variant is likely pathogenic. ACMG/AMP Criteria applied: PM3_supporting, PM2, PP4, PP3, PS3_supporting (Richards 2015).

Counsyl
Classification: Likely pathogenic for Glycogen storage disease, type II. Last evaluated: 2017-03-10. Review status: no assertion criteria provided. Collection method: clinical testing. Allele origin: unknown. Not counted in ClinVar's aggregate classification.

Literature cited by the submitters: PubMed 39273088 (cited by Genomenon, Inc); PubMed 28196920 (cited by Genomenon, Inc and Myriad Genetics, Inc.); PubMed 24107549 (cited by 7 submitters); PubMed 39870877 (cited by Genomenon, Inc and Myriad Genetics, Inc.); PubMed 31076647 (cited by Myriad Genetics, Inc.); PubMed 34922579 (cited by Myriad Genetics, Inc.).

NM_000152.5(GAA):c.2647-7G>A

Gene: GAA (alpha glucosidase; plus strand). Cytogenetic location: 17q25.3.
Variant type: single nucleotide variant.
Coding change: c.2647-7G>A on transcript NM_000152.5 (MANE Select); 7 bases into the intron before coding-DNA position 2647, G replaced by A.
Molecular consequence: intron variant.
Genome position (GRCh38, 1-based): chr17:80,118,646, G>A. VCF-style: chr17-80118646-G-A. GRCh37 (hg19) VCF-style: chr17-78092445-G-A.
Other names: c.2647-7G>A (NM_001079803.3, NM_001079804.3, LRG_673t1 and 1 more transcripts).
Identifiers: ClinVar variation 551106 (VCV000551106.26), dbSNP rs192679574, ClinGen allele CA8815822.
Genomic context (GRCh38, chr17:80,118,646, plus strand): 5'-TCCTGCCCCAGCTGTCTGCTGACACCTCCACATTCTCTGCCTTTTCATCTCTCTCTGCTC[G>A]GCCCAGAACACGATCGTGAATGAGCTGGTACGTGTGACCAGTGAGGGAGCTGGCCTGCAG-3'